The following is an entry in ClinVar:

NM_006206.6(PDGFRA):c.1103A>G (p.Glu368Gly)

Gene: PDGFRA (platelet derived growth factor receptor alpha; plus strand). Cytogenetic location: 4q12.
Variant type: single nucleotide variant.
Coding change: c.1103A>G on transcript NM_006206.6 (MANE Select); coding-DNA position 1103, A replaced by G.
Protein change: p.Glu368Gly; replaces glutamic acid 368 with glycine.
Molecular consequence: missense variant.
Genome position (GRCh38, 1-based): chr4:54,267,723, A>G. VCF-style: chr4-54267723-A-G. GRCh37 (hg19) VCF-style: chr4-55133890-A-G.
Other names: c.1103A>G, p.Glu368Gly (NM_001347827.2, NM_001347829.2); c.1178A>G, p.Glu393Gly (NM_001347828.2); c.1142A>G, p.Glu381Gly (NM_001347830.2); short protein forms E368G, E393G, E381G.
Identifiers: ClinVar variation 407444 (VCV000407444.10), dbSNP rs1060501521, ClinGen allele CA16611557.

ClinVar aggregate classification (germline): Uncertain significance (1 of 4 stars; one submission).

Conditions:
Gastrointestinal stromal tumor. Also called: Gastrointestinal stroma tumor; Gastrointestinal stromal tumor, somatic. Identifiers: Orphanet 44890, MedGen C0238198, MeSH D046152, MONDO:0011719, OMIM 606764, HP:0100723.

Allele frequency attached by ClinVar (database versions not stated): gnomAD exomes below 0.00001.
gnomAD v4.1: 1 of 1,613,940 alleles (0.000062%); highest among the groups gnomAD compares: Non-Finnish European, 0.000085%; no homozygotes.

Submission:

Labcorp Genetics (formerly Invitae), Labcorp
Classification: Uncertain significance for Gastrointestinal stromal tumor. Last evaluated: 2025-11-10. Review status: criteria provided, single submitter. Criteria: Invitae Variant Classification Sherloc (09022015). Collection method: clinical testing. Allele origin: germline.
Comment: This sequence change replaces glutamic acid, which is acidic and polar, with glycine, which is neutral and non-polar, at codon 368 of the PDGFRA protein (p.Glu368Gly). This variant is not present in population databases (gnomAD no frequency). This variant has not been reported in the literature in individuals affected with PDGFRA-related conditions. ClinVar contains an entry for this variant (Variation ID: 407444). Invitae Evidence Modeling of protein sequence and biophysical properties (such as structural, functional, and spatial information, amino acid conservation, physicochemical variation, residue mobility, and thermodynamic stability) indicates that this missense variant is not expected to disrupt PDGFRA protein function with a negative predictive value of 80%. In summary, the available evidence is currently insufficient to determine the role of this variant in disease. Therefore, it has been classified as a Variant of Uncertain Significance.